The following is an entry in ClinVar:

ClinVar aggregate classification (germline): Uncertain significance. Review status: criteria provided, multiple submitters, no conflicts (2 of 4 stars). 2 submissions from 2 submitters: Uncertain significance (2). Last evaluated 2025-09-10.

Conditions:
Erythrocytosis, familial, 3 (ECYT3). Identifiers: Orphanet 247511, MedGen C1853286, MONDO:0012353, OMIM 609820.

Allele frequency attached by ClinVar (database versions not stated): ExAC 0.00001; gnomAD 0.00001; gnomAD exomes 0.00001; TOPMed 0.00001.
gnomAD v4.1: 14 of 1,613,886 alleles (0.00087%); highest among the groups gnomAD compares: Admixed American, 0.0017%; no homozygotes.

Submissions (2):

Labcorp Genetics (formerly Invitae), Labcorp
Classification: Uncertain significance for Erythrocytosis, familial, 3. Last evaluated: 2025-09-10. Review status: criteria provided, single submitter. Criteria: Invitae Variant Classification Sherloc (09022015). Collection method: clinical testing. Allele origin: germline.
Comment: This sequence change replaces aspartic acid, which is acidic and polar, with glycine, which is neutral and non-polar, at codon 278 of the EGLN1 protein (p.Asp278Gly). This variant is present in population databases (rs753303580, gnomAD 0.003%). This variant has not been reported in the literature in individuals affected with EGLN1-related conditions. ClinVar contains an entry for this variant (Variation ID: 407208). An algorithm developed to predict the effect of missense changes on protein structure and function (PolyPhen-2) suggests that this variant is likely to be tolerated. In summary, the available evidence is currently insufficient to determine the role of this variant in disease. Therefore, it has been classified as a Variant of Uncertain Significance.

Ambry Genetics
Classification: Uncertain significance. Last evaluated: 2023-06-25. Review status: criteria provided, single submitter. Criteria: Ambry Variant Classification Scheme 2023. Collection method: clinical testing. Allele origin: germline.
Comment: The p.D278G variant (also known as c.833A>G), located in coding exon 1 of the EGLN1 gene, results from an A to G substitution at nucleotide position 833. The aspartic acid at codon 278 is replaced by glycine, an amino acid with similar properties. This amino acid position is highly conserved in available vertebrate species. In addition, the in silico prediction for this alteration is inconclusive. Since supporting evidence is limited at this time, the clinical significance of this alteration remains unclear.

NM_022051.3(EGLN1):c.833A>G (p.Asp278Gly)

Genes: EGLN1 (egl-9 family hypoxia inducible factor 1; minus strand), LOC129932769 (ATAC-STARR-seq lymphoblastoid active region 2730; plus strand). Cytogenetic location: 1q42.2.
Variant type: single nucleotide variant.
Coding change: c.833A>G on transcript NM_022051.3 (MANE Select); coding-DNA position 833, A replaced by G.
Protein change: p.Asp278Gly; replaces aspartic acid 278 with glycine.
Molecular consequence: missense variant.
Genome position (GRCh38, 1-based): chr1:231,421,056, T>C on the plus strand (A>G on the coding strand, the complement: EGLN1 is on the minus strand). VCF-style: chr1-231421056-T-C. GRCh37 (hg19) VCF-style: chr1-231556802-T-C.
Other names: c.833A>G, p.Asp278Gly (NM_001377260.1, NM_001377261.1); short protein forms D278G.
Identifiers: ClinVar variation 407208 (VCV000407208.8), dbSNP rs753303580, ClinGen allele CA1453097.
Genomic context (GRCh38, chr1:231,421,056, plus strand): 5'-ACTTTCGTCCGGCCATTGATTTTGTAGCTGCCCAGCTTCCCGTTACAGTGGCGTATCAGG[T>C]CGTCCATGCTGCTCATGAGCAGCCCAATGGTTTCGCAGCCGGGCTCCTTGCCCTCGATCC-3'
Protein context (NP_071334.1, residues 268-288): TIGLLMSSMD[Asp278Gly]LIRHCNGKLG